The following is an entry in ClinVar:

NM_001040716.2(PC):c.788G>A (p.Arg263Gln)

Gene: PC (pyruvate carboxylase; minus strand). Cytogenetic location: 11q13.2.
Variant type: single nucleotide variant.
Coding change: c.788G>A on transcript NM_001040716.2 (MANE Select); coding-DNA position 788, G replaced by A.
Protein change: p.Arg263Gln; replaces arginine 263 with glutamine.
Molecular consequence: missense variant.
Genome position (GRCh38, 1-based): chr11:66,870,417, C>T on the plus strand (G>A on the coding strand, the complement: PC is on the minus strand). VCF-style: chr11-66870417-C-T. GRCh37 (hg19) VCF-style: chr11-66637888-C-T.
Other names: p.R263Q:CGA>CAA; c.788G>A, p.Arg263Gln (NM_000920.4, NM_022172.3); short protein forms R263Q.
Identifiers: ClinVar variation 203921 (VCV000203921.8), dbSNP rs769177104, ClinGen allele CA312921.

ClinVar aggregate classification (germline): Conflicting classifications of pathogenicity. Review status: criteria provided, conflicting classifications (1 of 4 stars). 4 submissions from 4 submitters: Likely pathogenic (1); Uncertain significance (3). Last evaluated 2024-11-01.

Conditions:
Pyruvate carboxylase deficiency. Also called: LEIGH NECROTIZING ENCEPHALOPATHY DUE TO PYRUVATE CARBOXYLASE DEFICIENCY; LEIGH SYNDROME DUE TO PYRUVATE CARBOXYLASE DEFICIENCY; PC DEFICIENCY; ATAXIA WITH LACTIC ACIDOSIS II; Pyruvate Carboxylase Deficiency Disease. Identifiers: Orphanet 3008, MedGen C0034341, MONDO:0009949, OMIM 266150.

Allele frequency attached by ClinVar (database versions not stated): gnomAD exomes below 0.00001; ExAC 0.00001; TOPMed 0.00002.

Submissions (4):

Women's Health and Genetics/Laboratory Corporation of America, LabCorp
Classification: Uncertain significance. Last evaluated: 2024-11-01. Review status: criteria provided, single submitter. Criteria: LabCorp Variant Classification Summary - May 2015. Collection method: clinical testing. Allele origin: germline.
Comment: Variant summary: PC c.788G>A (p.Arg263Gln) results in a conservative amino acid change located in the Carbamoyl-phosphate synthetase large subunit-like, ATP-binding domain (IPR005479) of the encoded protein sequence. Four of five in-silico tools predict a damaging effect of the variant on protein function. The variant allele was found at a frequency of 4e-06 in 250716 control chromosomes. The available data on variant occurrences in the general population are insufficient to allow any conclusion about variant significance. To our knowledge, no occurrence of c.788G>A in individuals affected with Pyruvate Carboxylase Deficiency and no experimental evidence demonstrating its impact on protein function have been reported. ClinVar contains an entry for this variant (Variation ID: 203921). Based on the evidence outlined above, the variant was classified as uncertain significance.

Labcorp Genetics (formerly Invitae), Labcorp
Classification: Uncertain significance for Pyruvate carboxylase deficiency. Last evaluated: 2021-08-31. Review status: criteria provided, single submitter. Criteria: Invitae Variant Classification Sherloc (09022015). Collection method: clinical testing. Allele origin: germline.
Comment: This sequence change replaces arginine with glutamine at codon 263 of the PC protein (p.Arg263Gln). The arginine residue is highly conserved and there is a small physicochemical difference between arginine and glutamine. This variant is present in population databases (rs769177104, ExAC 0.006%). This variant has not been reported in the literature in individuals affected with PC-related conditions. ClinVar contains an entry for this variant (Variation ID: 203921). Algorithms developed to predict the effect of missense changes on protein structure and function are either unavailable or do not agree on the potential impact of this missense change (SIFT: "Deleterious"; PolyPhen-2: "Probably Damaging"; Align-GVGD: "Class C0"). In summary, the available evidence is currently insufficient to determine the role of this variant in disease. Therefore, it has been classified as a Variant of Uncertain Significance.

Mendelics
Classification: Likely pathogenic for Pyruvate carboxylase deficiency. Last evaluated: 2019-05-28. Review status: criteria provided, single submitter. Criteria: Mendelics Assertion Criteria 2017. Collection method: clinical testing. Allele origin: unknown.

GeneDx
Classification: Uncertain significance. Last evaluated: 2019-02-07. Review status: criteria provided, single submitter. Criteria: GeneDx Variant Classification Process June 2021. Collection method: clinical testing. Allele origin: germline. Affected: yes.
Comment: Not observed at a significant frequency in large population cohorts (Lek et al., 2016; McVean et al., 2012; Exome Variant Server); In silico analysis, which includes protein predictors and evolutionary conservation, supports a deleterious effect; Has not been previously published as pathogenic or benign to our knowledge; This variant is associated with the following publications: (PMID: 28492532)